The following is an entry in ClinVar:

ClinVar aggregate classification (germline): Likely benign (1 of 4 stars; one submission).

Submission:

CeGaT Center for Human Genetics Tuebingen
Classification: Likely benign. Last evaluated: 2026-05-01. Review status: criteria provided, single submitter. Criteria: CeGaT Center For Human Genetics Tuebingen Variant Classification Criteria Version 2. Collection method: clinical testing. Allele origin: germline. Affected: yes. Observed: 1 variant allele.
Comment: RHOBTB2: PM2:Supporting, BP4, BP7

NM_015178.3(RHOBTB2):c.147T>C (p.His49=)

Gene: RHOBTB2 (Rho related BTB domain containing 2; plus strand). Cytogenetic location: 8p21.3.
Variant type: single nucleotide variant.
Coding change: c.147T>C on transcript NM_015178.3 (MANE Select); coding-DNA position 147, T replaced by C.
Protein change: p.His49=; no amino-acid change (histidine 49 retained).
Molecular consequence: synonymous variant.
Genome position (GRCh38, 1-based): chr8:23,004,581, T>C. VCF-style: chr8-23004581-T-C. GRCh37 (hg19) VCF-style: chr8-22862094-T-C.
Other names: c.213T>C, p.His71= (NM_001160036.2); c.168T>C, p.His56= (NM_001160037.2); c.147T>C, p.His49= (NM_001374791.1).
Identifiers: ClinVar variation 4872791 (VCV004872791.2).